The following is an entry in ClinVar:

NM_002691.4(POLD1):c.2787C>T (p.Ala929=)

Gene: POLD1 (DNA polymerase delta 1, catalytic subunit; plus strand). Cytogenetic location: 19q13.33.
Variant type: single nucleotide variant.
Coding change: c.2787C>T on transcript NM_002691.4 (MANE Select); coding-DNA position 2787, C replaced by T.
Protein change: p.Ala929=; no amino-acid change (alanine 929 retained).
Molecular consequence: synonymous variant.
Genome position (GRCh38, 1-based): chr19:50,415,793, C>T. VCF-style: chr19-50415793-C-T. GRCh37 (hg19) VCF-style: chr19-50919050-C-T.
Other names: c.2865C>T, p.Ala955= (LRG_785t2, NM_001308632.1); c.2787C>T, p.Ala929= (LRG_785t1, NM_001256849.1).
Identifiers: ClinVar variation 387627 (VCV000387627.52), dbSNP rs1057522848, ClinGen allele CA16609026.

ClinVar aggregate classification (germline): Likely benign. Review status: criteria provided, multiple submitters, no conflicts (2 of 4 stars). 8 submissions from 8 submitters: Likely benign (8). Last evaluated 2026-01-12.

Conditions:
POLD1-related polyposis and colorectal cancer syndrome (CRCS10). Also called: Colorectal cancer 10; Colorectal cancer, susceptibility to, 10; COLORECTAL CANCER, SUSCEPTIBILITY TO, ON CHROMOSOME 19q. Identifiers: Orphanet 220460, MedGen C2675481, MONDO:0012953, OMIM 612591.
Hereditary cancer-predisposing syndrome. Also called: Neoplastic Syndromes, Hereditary; Hereditary neoplastic syndrome; Tumor predisposition; Hereditary Cancer Syndrome. Identifiers: Orphanet 140162, MedGen C0027672, MeSH D009386, MONDO:0015356.

Allele frequency attached by ClinVar (database versions not stated): gnomAD 0.00001; gnomAD exomes 0.00002; TOPMed 0.00004.
gnomAD v4.1: 28 of 1,562,654 alleles (0.0018%); highest among the groups gnomAD compares: South Asian, 0.0095%; no homozygotes.

Submissions (8):

Labcorp Genetics (formerly Invitae), Labcorp
Classification: Likely benign for POLD1-related polyposis and colorectal cancer syndrome. Last evaluated: 2026-01-12. Review status: criteria provided, single submitter. Criteria: Invitae Variant Classification Sherloc (09022015). Collection method: clinical testing. Allele origin: germline.

Center for Genomic Medicine, Rigshospitalet, Copenhagen University Hospital
Classification: Likely benign. Last evaluated: 2025-03-04. Review status: criteria provided, single submitter. Criteria: ACMG Guidelines, 2015. Collection method: clinical testing. Allele origin: germline.

Blueprint Genetics
Classification: Likely benign. Last evaluated: 2024-03-24. Review status: criteria provided, single submitter. Criteria: ACMG Guidelines, 2015. Collection method: clinical testing. Allele origin: germline.

CeGaT Center for Human Genetics Tuebingen
Classification: Likely benign. Last evaluated: 2023-11-01. Review status: criteria provided, single submitter. Criteria: CeGaT Center For Human Genetics Tuebingen Variant Classification Criteria Version 2. Collection method: clinical testing. Allele origin: germline. Affected: yes. Observed: 1 variant allele.
Comment: POLD1: BP4, BP7

GeneDx
Classification: Likely benign. Last evaluated: 2020-05-18. Review status: criteria provided, single submitter. Criteria: GeneDx Variant Classification Process June 2021. Collection method: clinical testing. Allele origin: germline. Affected: yes.

Genetic Services Laboratory, University of Chicago
Classification: Likely benign. Last evaluated: 2018-01-16. Review status: criteria provided, single submitter. Criteria: ACMG Guidelines, 2015. Collection method: clinical testing. Allele origin: germline. Affected: no.

Ambry Genetics
Classification: Likely benign for Hereditary cancer-predisposing syndrome. Last evaluated: 2017-07-14. Review status: criteria provided, single submitter. Criteria: Ambry Variant Classification Scheme 2023. Collection method: clinical testing. Allele origin: germline.

PreventionGenetics, part of Exact Sciences
Classification: Likely benign. Last evaluated: 2017-01-10. Review status: criteria provided, single submitter. Criteria: ACMG Guidelines, 2015. Collection method: clinical testing. Allele origin: germline.